The following is an entry in ClinVar:

ClinVar aggregate classification (germline): Likely pathogenic (1 of 4 stars; one submission).

Conditions:
Retinitis pigmentosa 25 (RP25). Identifiers: Orphanet 791, MedGen C1864446, MONDO:0011272, OMIM 602772.

Submission:

Natera, Inc.
Classification: Likely pathogenic for Retinitis pigmentosa type 25. Last evaluated: 2024-08-06. Review status: criteria provided, single submitter. Criteria: Natera Variant Classification Schema (03/2026). Collection method: clinical testing. Allele origin: germline.
Comment: The c.2743dup variant in EYS is a frameshift variant predicted to shift the reading frame beginning at codon 915 and leads to a stop codon 12 codons downstream. This variant is expected to result in nonsense mediated decay, truncation, or a dysfunctional protein product. This variant is rare in the general population with a frequency below the threshold expected for the associated phenotype(s). Given the available evidence, this variant is classified as Likely Pathogenic.

NM_001142800.2(EYS):c.2743dup (p.Ile915fs)

Gene: EYS (EGF-like photoreceptor maintenance factor; minus strand). Cytogenetic location: 6q12.
Variant type: Duplication.
Coding change: c.2743dup on transcript NM_001142800.2 (MANE Select); coding-DNA position 2743, one base duplicated (A; older notation c.2743dupA).
Protein change: p.Ile915fs; shifts the reading frame from isoleucine 915.
Molecular consequence: frameshift variant.
Genome position (GRCh38, 1-based): chr6:64,902,216, T duplicated on the plus strand (A on the coding strand, the reverse complement: EYS is on the minus strand). VCF-style (leftmost placement, unchanged base first): chr6-64902215-A-AT. GRCh37 (hg19) VCF-style: chr6-65612108-A-AT.
Other names: c.2743dup, p.Ile915fs (NM_001292009.2); short protein forms I915fs.
Identifiers: ClinVar variation 4814626 (VCV004814626.1).